The following is an entry in ClinVar:

NM_015650.4(IFT54):c.168C>T (p.Ala56=)

Gene: IFT54 (intraflagellar transport 54; plus strand). Cytogenetic location: 2q37.3.
Variant type: single nucleotide variant.
Coding change: c.168C>T on transcript NM_015650.4 (MANE Select); coding-DNA position 168, C replaced by T.
Protein change: p.Ala56=; no amino-acid change (alanine 56 retained).
Molecular consequence: synonymous variant.
Genome position (GRCh38, 1-based): chr2:238,325,350, C>T. VCF-style: chr2-238325350-C-T. GRCh37 (hg19) VCF-style: chr2-239233991-C-T.
Other names: c.168C>T, p.Ala56= (NM_001139490.1); c.168C>T (NM_015650.3).
Identifiers: ClinVar variation 1111028 (VCV001111028.12), dbSNP rs138242959, ClinGen allele CA2197963.
Genomic context (GRCh38, chr2:238,325,350, plus strand): 5'-TCTTTCTCTCTTGAAGGTGATTAGAATGACTGGTTTCATGAAGGGCCTCTACACAGACGC[C>T]GAGATGAAGTCTGATAATGTGAAGGTGGGTTTGAGTCGGGCTTCTCCTATTGACTCCTCG-3'
Protein context (NP_056465.2, residues 46-66): TGFMKGLYTD[Ala56=]EMKSDNVKDK

ClinVar aggregate classification (germline): Likely benign. Review status: criteria provided, multiple submitters, no conflicts (2 of 4 stars). 3 submissions from 3 submitters: Likely benign (2). 1 of the submissions does not count toward it. Last evaluated 2025-11-01.

Conditions:
TRAF3IP1-related disorder. Also called: TRAF3IP1-related condition.

Allele frequency attached by ClinVar (database versions not stated): gnomAD 0.00003; TOPMed 0.00004; ExAC 0.00005; gnomAD exomes 0.00006; ESP Exome Variant Server 0.00008; 1000 Genomes Project 0.00020; 1000 Genomes Project 30x 0.00031.
gnomAD v4.1: 53 of 1,614,016 alleles (0.0033%); highest among the groups gnomAD compares: Admixed American, 0.028%; no homozygotes.

Submissions (3):

Labcorp Genetics (formerly Invitae), Labcorp
Classification: Likely benign. Last evaluated: 2025-11-01. Review status: criteria provided, single submitter. Criteria: Invitae Variant Classification Sherloc (09022015). Collection method: clinical testing. Allele origin: germline.

Blueprint Genetics
Classification: Likely benign. Last evaluated: 2021-07-27. Review status: criteria provided, single submitter. Criteria: ACMG Guidelines, 2015. Collection method: clinical testing. Allele origin: germline.

PreventionGenetics, part of Exact Sciences
Classification: Likely benign for TRAF3IP1-related condition. Last evaluated: 2020-03-03. Review status: no assertion criteria provided. Collection method: clinical testing. Allele origin: germline. Not counted in ClinVar's aggregate classification.
Comment: This variant is classified as likely benign based on ACMG/AMP sequence variant interpretation guidelines (Richards et al. 2015 PMID: 25741868, with internal and published modifications).